The following is an entry in ClinVar:

NM_001942.4(DSG1):c.2794G>A (p.Gly932Ser)

Genes: DSG1 (desmoglein 1; plus strand), DSG1-AS1 (DSG1 antisense RNA 1; minus strand). Cytogenetic location: 18q12.1.
Variant type: single nucleotide variant.
Coding change: c.2794G>A on transcript NM_001942.4 (MANE Select); coding-DNA position 2794, G replaced by A.
Protein change: p.Gly932Ser; replaces glycine 932 with serine.
Molecular consequence: missense variant.
Genome position (GRCh38, 1-based): chr18:31,354,990, G>A. VCF-style: chr18-31354990-G-A. GRCh37 (hg19) VCF-style: chr18-28934953-G-A.
Other names: c.2794G>A (NM_001942.3, NM_001942.2); short protein forms G932S.
Identifiers: ClinVar variation 1423000 (VCV001423000.9), dbSNP rs370600690, ClinGen allele CA8926445.

ClinVar aggregate classification (germline): Uncertain significance. Review status: criteria provided, multiple submitters, no conflicts (2 of 4 stars). 4 submissions from 4 submitters: Uncertain significance (4). Last evaluated 2025-12-22.

Conditions:
Inborn genetic diseases. Identifiers: MedGen C0950123, MeSH D030342.
Severe dermatitis-multiple allergies-metabolic wasting syndrome. Also called: SEVERE DERMATITIS, MULTIPLE ALLERGIES, AND METABOLIC WASTING SYNDROME; SAM SYNDROME; Erythroderma, congenital, with palmoplantar keratoderma, hypotrichosis, and hyper-ige; ERYTHRODERMA, CONGENITAL, WITH PALMOPLANTAR KERATODERMA, HYPOTRICHOSIS, RECURRENT INFECTIONS, AND MULTIPLE FOOD ALLERGIES. Identifiers: Orphanet 369992, MedGen C3809719, MONDO:0014218, OMIM 615508.

Allele frequency attached by ClinVar (database versions not stated): gnomAD exomes 0.00003 and 0.00004; ExAC 0.00004; gnomAD 0.00009; ESP Exome Variant Server 0.00015; TOPMed 0.00016; 1000 Genomes Project 0.00020; 1000 Genomes Project 30x 0.00031.
gnomAD v4.1: 81 of 1,614,158 alleles (0.005%); highest among the groups gnomAD compares: African/African-American, 0.027%; no homozygotes.

Submissions (4):

Labcorp Genetics (formerly Invitae), Labcorp
Classification: Uncertain significance. Last evaluated: 2025-12-22. Review status: criteria provided, single submitter. Criteria: Invitae Variant Classification Sherloc (09022015). Collection method: clinical testing. Allele origin: germline.
Comment: This sequence change replaces glycine, which is neutral and non-polar, with serine, which is neutral and polar, at codon 932 of the DSG1 protein (p.Gly932Ser). The frequency data for this variant in the population databases is considered unreliable, as metrics indicate poor data quality at this position in the gnomAD database. This variant has not been reported in the literature in individuals affected with DSG1-related conditions. ClinVar contains an entry for this variant (Variation ID: 1423000). An algorithm developed to predict the effect of missense changes on protein structure and function outputs the following: PolyPhen-2: "Benign". The serine amino acid residue is found in multiple mammalian species, which suggests that this missense change does not adversely affect protein function. In summary, the available evidence is currently insufficient to determine the role of this variant in disease. Therefore, it has been classified as a Variant of Uncertain Significance.

Ambry Genetics
Classification: Uncertain significance for Inborn genetic diseases. Last evaluated: 2024-02-14. Review status: criteria provided, single submitter. Criteria: Ambry Variant Classification Scheme 2023. Collection method: clinical testing. Allele origin: germline.

Victorian Clinical Genetics Services, Murdoch Childrens Research Institute
Classification: Uncertain significance for Severe dermatitis-multiple allergies-metabolic wasting syndrome. Last evaluated: 2022-02-02. Review status: criteria provided, single submitter. Criteria: ACMG Guidelines, 2015. Collection method: clinical testing. Allele origin: germline.
Comment: Based on the classification scheme VCGS_Germline_v1.3.4, this variant is classified as VUS-3C. Following criteria are met: 0102 - Loss of function is a known mechanism of disease in this gene and is associated with keratosis palmoplantaris striata I (MIM#148700) and congenital erythroderma with palmoplantar keratoderma, hypotrichosis and hyper IgE (MIM#615508). (I) 0108 - This gene is associated with both recessive and dominant disease. The same variant has been reported in both inheritance patterns (PMID: 23974871). (I) 0200 - Variant is predicted to result in a missense amino acid change from glycine to serine. (I) 0251 - This variant is heterozygous. (I) 0304 - Variant is present in gnomAD <0.01 (13 heterozygotes, 0 homozygotes). (SP) 0503 - Missense variant consistently predicted to be tolerated by multiple in silico tools or not conserved in placental mammals with a minor amino acid change. (SB) 0604 - Variant is not located in an established domain, motif, hotspot or informative constraint region. (I) 0705 - No comparable missense variants have previous evidence for pathogenicity. (I) 0807 - This variant has no previous evidence of pathogenicity. (I) 0905 - No published segregation evidence has been identified for this variant. (I) 1007 - No published functional evidence has been identified for this variant. (I) 1208 - Inheritance information for this variant is not currently available in this individual. (I) Legend: (SP) - Supporting pathogenic, (I) - Information, (SB) - Supporting benign

Breakthrough Genomics
Classification: Uncertain significance. Review status: criteria provided, single submitter. Criteria: ACMG Guidelines, 2015. Collection method: not provided. Allele origin: germline. Inheritance: Autosomal recessive inheritance. Affected: yes.

Literature cited by the submitters: PubMed 23974871 (cited by Victorian Clinical Genetics Services, Murdoch Childrens Research Institute).